The following is an entry in ClinVar:

ClinVar aggregate classification (germline): Pathogenic/Likely pathogenic. Review status: criteria provided, multiple submitters, no conflicts (2 of 4 stars). 2 submissions from 2 submitters: Pathogenic (1); Likely pathogenic (1). Last evaluated 2015-10-16.

Conditions:
Severe neurodegenerative syndrome with lipodystrophy. Also called: ENCEPHALOPATHY, PROGRESSIVE, WITH LIPODYSTROPHY; Encephalopathy, progressive, with or without lipodystrophy. Identifiers: Orphanet 363400, MedGen C4014700, MONDO:0014402, OMIM 615924.
Congenital generalized lipodystrophy type 2 (CGL2). Also called: BERARDINELLI SYNDROME; BRUNZELL SYNDROME, BSCL2-RELATED; Berardinelli-Seip Congenital Lipodystrophy Type 2; SEIP SYNDROME. Identifiers: Orphanet 528, Orphanet 696289, MedGen C1720863, MONDO:0010020, OMIM 269700.
Monogenic diabetes. Identifiers: Orphanet 183625, MedGen C3888631, MONDO:0015967.

Submissions (2):

Personalized Diabetes Medicine Program, University of Maryland School of Medicine
Classification: Pathogenic for Monogenic diabetes. Last evaluated: 2015-10-16. Review status: criteria provided, single submitter. Criteria: ACMG Guidelines, 2015. Collection method: research. Allele origin: unknown. Observed: 1 variant allele, 1 heterozygote. Study: Personalized Diabetes Medicine Program.
Comment: ACMG Criteria:PVS1, PM2, PP3=Pathogenic; RT-PCR showed loss of full length transcript and presenece of two aberrant transcript. Protein localized normally.

Juno Genomics, Hangzhou Juno Genomics, Inc
Classification: Likely pathogenic for Severe neurodegenerative syndrome with lipodystrophy; Congenital generalized lipodystrophy type 2. Review status: criteria provided, single submitter. Criteria: ACMG Guidelines, 2015. Collection method: clinical testing. Allele origin: germline. Affected: yes.
Comment: Absent from controls (or at extremely low frequency if recessive) in Genome Aggregation Database, Exome Sequencing Project, 1000 Genomes Project, or Exome Aggregation Consortium.;Null variant in a gene where loss of function (LOF) is a known mechanism of disease.;For recessive disorders, detected in trans with a pathogenic variant.;Patient's phenotype or family history is highly specific for a disease with a single genetic etiology.

Literature cited by the submitters: PubMed 23430896 (cited by Personalized Diabetes Medicine Program, University of Maryland School of Medicine).

NM_001122955.4(BSCL2):c.631-1G>C

Genes: BSCL2 (BSCL2 lipid droplet biogenesis associated, seipin; minus strand), HNRNPUL2-BSCL2 (HNRNPUL2-BSCL2 readthrough (NMD candidate); minus strand). Cytogenetic location: 11q12.3.
Variant type: single nucleotide variant.
Coding change: c.631-1G>C on transcript NM_001122955.4 (MANE Select); the canonical splice acceptor site of the intron before coding-DNA position 631, G replaced by C.
Molecular consequence: splice acceptor variant.
Genome position (GRCh38, 1-based): chr11:62,692,798, C>G on the plus strand (G>C on the coding strand, the complement: BSCL2 is on the minus strand). VCF-style: chr11-62692798-C-G. GRCh37 (hg19) VCF-style: chr11-62460270-C-G.
Other names: c.439-1G>C (NM_001130702.2, NM_032667.6); c.631-1G>C (NM_001386028.1, NM_001386027.1).
Identifiers: ClinVar variation 393432 (VCV000393432.4), dbSNP rs1057524896, ClinGen allele CA16609259.